The following is an entry in ClinVar:

NM_001127.4(AP1B1):c.247A>G (p.Met83Val)

Gene: AP1B1 (adaptor related protein complex 1 subunit beta 1; minus strand). Cytogenetic location: 22q12.2.
Variant type: single nucleotide variant.
Coding change: c.247A>G on transcript NM_001127.4 (MANE Select); coding-DNA position 247, A replaced by G.
Protein change: p.Met83Val; replaces methionine 83 with valine.
Molecular consequence: missense variant.
Genome position (GRCh38, 1-based): chr22:29,359,856, T>C on the plus strand (A>G on the coding strand, the complement: AP1B1 is on the minus strand). VCF-style: chr22-29359856-T-C. GRCh37 (hg19) VCF-style: chr22-29755845-T-C.
Other names: c.247A>G, p.Met83Val (NM_001166019.2, NM_001378562.1, NM_001378563.1 and 2 more transcripts); c.76A>G, p.Met26Val (NM_001378564.1, NM_001378565.1); short protein forms M83V, M26V.
Identifiers: ClinVar variation 4986468 (VCV004986468.1).

ClinVar aggregate classification (germline): Uncertain significance (1 of 4 stars; one submission).

Conditions:
AP1B1-related disorder. Also called: AP1B1-related condition.

gnomAD v4.1: 9 of 1,613,978 alleles (0.00056%); highest among the groups gnomAD compares: African/African-American, 0.008%; no homozygotes.

Submission:

PreventionGenetics, part of Exact Sciences
Classification: Uncertain significance for AP1B1-related condition. Last evaluated: 2025-08-04. Review status: criteria provided, single submitter. Criteria: ACMG Guidelines, 2015. Collection method: clinical testing. Allele origin: germline.
Comment: The AP1B1 c.247A>G variant is predicted to result in the amino acid substitution p.Met83Val. To our knowledge, this variant has not been reported in the literature. This variant is reported in 0.0040% of alleles in individuals of African descent in gnomAD. At this time, the clinical significance of this variant is uncertain due to the absence of conclusive functional and genetic evidence.